The following is an entry in ClinVar:

ClinVar aggregate classification (germline): Uncertain significance. Review status: criteria provided, multiple submitters, no conflicts (2 of 4 stars). 2 submissions from 2 submitters: Uncertain significance (2). Last evaluated 2022-05-02.

Conditions:
Cardiovascular phenotype. Identifiers: MedGen CN230736.

Allele frequency attached by ClinVar (database versions not stated): TOPMed below 0.00001; gnomAD 0.00001.

Submissions (2):

Ambry Genetics
Classification: Uncertain significance for Cardiovascular phenotype. Last evaluated: 2022-05-02. Review status: criteria provided, single submitter. Criteria: Ambry Variant Classification Scheme 2023. Collection method: clinical testing. Allele origin: germline.
Comment: The p.D98N variant (also known as c.292G>A), located in coding exon 3 of the VCL gene, results from a G to A substitution at nucleotide position 292. The aspartic acid at codon 98 is replaced by asparagine, an amino acid with highly similar properties. This amino acid position is conserved. In addition, this alteration is predicted to be tolerated by in silico analysis. Since supporting evidence is limited at this time, the clinical significance of this alteration remains unclear.

GeneDx
Classification: Uncertain significance. Last evaluated: 2014-10-23. Review status: criteria provided, single submitter. Criteria: GeneDx Variant Classification (06012015). Collection method: clinical testing. Allele origin: germline. Affected: yes.
Comment: p.Asp98Asn (GAC>AAC): c.292 G>A in exon 3 of the VCL gene (NM_014000.2). A variant of unknown significance has been identified in the VCL gene. The D98N variant has not been published as a mutation, nor has it been reported as a benign polymorphism to our knowledge. The D98N variant was not observed in approximately 6,500 individuals of European and African American ancestry in the NHLBI Exome Sequencing Project, indicating it is not a common benign variant in these populations. The D98N variant is a semi-conservative amino acid substitution, which may impact secondary protein structure as these residues differ in some properties. This substitution occurs at a position that is conserved across species. However, missense mutations in a nearby residues have not been reported, indicating this regoin of the protein may tolerate change. In silico analysis is inconsistent in its predictions as to whether or not the variant is damaging to the protein. Therefore, based on the currently available information, it is unclear whether this variant is a pathogenic mutation or a rare benign variant. The variant is found in CARDIOMYOPATHY panel(s).

NM_014000.3(VCL):c.292G>A (p.Asp98Asn)

Gene: VCL (vinculin; plus strand). Cytogenetic location: 10q22.2.
Variant type: single nucleotide variant.
Coding change: c.292G>A on transcript NM_014000.3 (MANE Select); coding-DNA position 292, G replaced by A.
Protein change: p.Asp98Asn; replaces aspartic acid 98 with asparagine.
Molecular consequence: missense variant.
Genome position (GRCh38, 1-based): chr10:74,070,722, G>A. VCF-style: chr10-74070722-G-A. GRCh37 (hg19) VCF-style: chr10-75830480-G-A.
Other names: p.D98N:GAC>AAC; c.292G>A, p.Asp98Asn (NM_003373.4); short protein forms D98N.
Identifiers: ClinVar variation 202164 (VCV000202164.4), dbSNP rs794729193, ClinGen allele CA335644.